The following is an entry in ClinVar:

ClinVar aggregate classification (germline): Uncertain significance (1 of 4 stars; one submission).

Conditions:
Hypoproteinemia, hypercatabolic (IMD43). Also called: BETA-2-MICROGLOBULIN DEFICIENCY; B2M DEFICIENCY; IMMUNODEFICIENCY 43; MHC CLASS I DEFICIENCY 4. Identifiers: MedGen C1855796, MONDO:0009434, OMIM 241600.

gnomAD v4.1: 1 of 1,614,112 alleles (0.000062%); highest among the groups gnomAD compares: Admixed American, 0.0017%; no homozygotes.

Submission:

Labcorp Genetics (formerly Invitae), Labcorp
Classification: Uncertain significance for Hypoproteinemia, hypercatabolic. Last evaluated: 2025-04-07. Review status: criteria provided, single submitter. Criteria: Invitae Variant Classification Sherloc (09022015). Collection method: clinical testing. Allele origin: germline.
Comment: This sequence change replaces serine, which is neutral and polar, with phenylalanine, which is neutral and non-polar, at codon 48 of the B2M protein (p.Ser48Phe). This variant is present in population databases (no rsID available, gnomAD 0.003%). This variant has not been reported in the literature in individuals affected with B2M-related conditions. An algorithm developed to predict the effect of missense changes on protein structure and function (PolyPhen-2) suggests that this variant is likely to be disruptive. In summary, the available evidence is currently insufficient to determine the role of this variant in disease. Therefore, it has been classified as a Variant of Uncertain Significance.

NM_004048.4(B2M):c.143C>T (p.Ser48Phe)

Gene: B2M (beta-2-microglobulin; plus strand). Cytogenetic location: 15q21.1.
Variant type: single nucleotide variant.
Coding change: c.143C>T on transcript NM_004048.4 (MANE Select); coding-DNA position 143, C replaced by T.
Protein change: p.Ser48Phe; replaces serine 48 with phenylalanine.
Molecular consequence: missense variant.
Genome position (GRCh38, 1-based): chr15:44,715,498, C>T. VCF-style: chr15-44715498-C-T. GRCh37 (hg19) VCF-style: chr15-45007696-C-T.
Other names: short protein forms S48F.
Identifiers: ClinVar variation 4694757 (VCV004694757.1).
Genomic context (GRCh38, chr15:44,715,498, plus strand): 5'-AGGTTTACTCACGTCATCCAGCAGAGAATGGAAAGTCAAATTTCCTGAATTGCTATGTGT[C>T]TGGGTTTCATCCATCCGACATTGAAGTTGACTTACTGAAGAATGGAGAGAGAATTGAAAA-3'
Protein context (NP_004039.1, residues 38-58): GKSNFLNCYV[Ser48Phe]GFHPSDIEVD